The following continues an entry in ClinVar:

NM_000051.4(ATM):c.3G>A (p.Met1Ile)

Gene: ATM. ClinVar aggregate classification (germline): Pathogenic/Likely pathogenic. Pathogenic (13); Likely pathogenic (2).

Submissions 10 to 16 of 16:

Sema4
Classification: Pathogenic for Hereditary cancer-predisposing syndrome. Last evaluated: 2021-05-28. Review status: criteria provided, single submitter. Criteria: Sema4 Curation Guidelines. Collection method: curation. Allele origin: germline.
Comment: The ATM c.3G>A (p.M1?) variant has been reported in at least two individuals with ataxia telangiectasia (AT) and was also observed in breast cancer and pancreatic cancer cases (PMID: 12552559, 28779002, 28767289). This variant is predicted to destroy the translation initiation codon leading to absent or N-terminal truncated protein. A different nucleotide change affecting the same initiator codon (c.2T>C) has been reported in AT patients (PMID: 8845835, 21593342, 22649200) and has been shown to result in a truncated ATM lacking kinase activity (PMID: 22146522, 21593342, 21792198). The next in-frame methionine is located at codon 54. It was observed in 1/16252 chromosomes of the African/African American subpopulation in the large and broad cohorts of the Genome Aggregation Database (PMID: 32461654). The variant has been reported in ClinVar (Variation ID 188901). Based on the current evidence available, this variant is interpreted as pathogenic.

Athena Diagnostics
Classification: Pathogenic. Last evaluated: 2021-01-20. Review status: criteria provided, single submitter. Criteria: Athena Diagnostics criteria. Collection method: clinical testing. Allele origin: unknown.
Comment: The frequency of this variant in the general population is consistent with pathogenicity. This variant is expected to interfere with initiation of protein synthesis. This variant has been identified in multiple unrelated individuals with clinical features associated with this gene, including both ataxia-telangiectasia (A-T) and cancer patients (PMID: 12552559, 28779002, 28767289, 31285527).

Quest Diagnostics Nichols Institute San Juan Capistrano
Classification: Pathogenic. Last evaluated: 2021-01-20. Review status: criteria provided, single submitter. Criteria: Quest Diagnostics criteria. Collection method: clinical testing. Allele origin: unknown.
Comment: This variant disrupts the translation initiation codon of the ATM mRNA and is predicted to interfere with ATM protein synthesis. The frequency of this variant in the general population, 0.000062 (1/16252 chromosomes), is consistent with pathogenicity. In the published literature, the variant has been reported in one individual with pancreatic cancer (PMIDs:28767289 (2017) and 31285527 (2019)), and two individuals with breast cancer (PMID:28779002 (2017)). Based on the available information, this variant is classified as pathogenic.

Institute of Medical Genetics and Applied Genomics, University Hospital Tübingen
Classification: Likely pathogenic. Last evaluated: 2020-10-23. Review status: criteria provided, single submitter. Criteria: ACMG Guidelines, 2015. Collection method: clinical testing. Allele origin: germline. Inheritance: Unknown mechanism. Affected: yes.

Revvity Omics, Revvity
Classification: Pathogenic for Ataxia-telangiectasia syndrome. Last evaluated: 2019-01-09. Review status: criteria provided, single submitter. Criteria: ACMG Guidelines, 2015. Collection method: clinical testing. Allele origin: germline.

Juno Genomics, Hangzhou Juno Genomics, Inc
Classification: Likely pathogenic for Familial cancer of breast; Ataxia-telangiectasia syndrome. Review status: criteria provided, single submitter. Criteria: ACMG Guidelines, 2015. Collection method: clinical testing. Allele origin: germline.
Comment: Null variant in a gene where loss of function (LOF) is a known mechanism of disease.;Absent from controls (or at extremely low frequency if recessive) in Genome Aggregation Database.

Counsyl
Classification: Likely pathogenic for Ataxia-telangiectasia syndrome. Last evaluated: 2014-07-25. Review status: no assertion criteria provided. Collection method: literature only. Allele origin: unknown. Inheritance: Autosomal recessive inheritance. Not counted in ClinVar's aggregate classification.

Literature cited by the submitters: PubMed 8845835 (cited by Labcorp Genetics (formerly Invitae), Labcorp and Sema4); PubMed 9463314 (cited by Labcorp Genetics (formerly Invitae), Labcorp and Myriad Genetics, Inc.); PubMed 12552559 (cited by 10 submitters); PubMed 21792198 (cited by 4 submitters); PubMed 22649200 (cited by 3 submitters); PubMed 28767289 (cited by 6 submitters); PubMed 28779002 (cited by 6 submitters); PubMed 21593342 (cited by Color Diagnostics, LLC DBA Color Health and Sema4); PubMed 22146522 (cited by 4 submitters); PubMed 21665257 (cited by Myriad Genetics, Inc.); PubMed 30549301 (cited by Myriad Genetics, Inc.); PubMed 21681852 (cited by Women's Health and Genetics/Laboratory Corporation of America, LabCorp); PubMed 29922827 (cited by Women's Health and Genetics/Laboratory Corporation of America, LabCorp); PubMed 29625052 (cited by Women's Health and Genetics/Laboratory Corporation of America, LabCorp); PubMed 33471991 (cited by Women's Health and Genetics/Laboratory Corporation of America, LabCorp); PubMed 31285527 (cited by 3 submitters); PubMed 32427313 (cited by Women's Health and Genetics/Laboratory Corporation of America, LabCorp); PubMed 35483985 (cited by Women's Health and Genetics/Laboratory Corporation of America, LabCorp); PubMed 35047863 (cited by Women's Health and Genetics/Laboratory Corporation of America, LabCorp); PubMed 11526498 (cited by Counsyl).